The following is an entry in ClinVar:

ClinVar aggregate classification (germline): Likely benign (1 of 4 stars; one submission).

Conditions:
CDKN1C-related disorder. Also called: CDKN1C-related condition.

Submission:

PreventionGenetics, part of Exact Sciences
Classification: Likely benign for CDKN1C-related condition. Last evaluated: 2026-05-12. Review status: criteria provided, single submitter. Criteria: ACMG Guidelines, 2015. Collection method: clinical testing. Allele origin: germline.
Comment: This variant is classified as likely benign based on ACMG/AMP sequence variant interpretation guidelines (Richards et al. 2015 PMID: 25741868, with internal and published modifications).

NM_001122630.2(CDKN1C):c.*5+23G>T

Gene: CDKN1C (cyclin dependent kinase inhibitor 1C; minus strand). Cytogenetic location: 11p15.4.
Variant type: single nucleotide variant.
Coding change: c.*5+23G>T on transcript NM_001122630.2 (MANE Select); 23 bases into the intron after 5 bases downstream of the stop codon, G replaced by T.
Molecular consequence: intron variant.
Genome position (GRCh38, 1-based): chr11:2,883,976, C>A on the plus strand (G>T on the coding strand, the complement: CDKN1C is on the minus strand). VCF-style: chr11-2883976-C-A. GRCh37 (hg19) VCF-style: chr11-2905206-C-A.
Other names: c.391+23G>T (NM_001362475.2); c.*5+23G>T (NM_001122631.2, NM_001362474.2, NM_000076.2).
Identifiers: ClinVar variation 4990598 (VCV004990598.1).